The following is an entry in ClinVar:

ClinVar aggregate classification (germline): Uncertain significance (1 of 4 stars; one submission).

Conditions:
Developmental and epileptic encephalopathy, 9 (DEE9). Also called: Early infantile epileptic encephalopathy 9; JUBERG-HELLMAN SYNDROME; PCDH19-Related X-Linked Female-Limited Epilepsy with Mental Retardation; EPILEPSY, FEMALE-RESTRICTED, WITH MENTAL RETARDATION. Identifiers: Orphanet 101039, Orphanet 2076, MedGen C1848137, MONDO:0010246, OMIM 300088. Disease mechanism: loss of function.

Submission:

Neuberg Centre For Genomic Medicine, NCGM
Classification: Uncertain significance for Developmental and epileptic encephalopathy, 9. Last evaluated: 2023-06-22. Review status: criteria provided, single submitter. Criteria: ACMG Guidelines, 2015. Collection method: clinical testing. Allele origin: germline. Inheritance: Autosomal dominant inheritance. Affected: yes.
Comment: The deletion insertion variant c.2221_2222delTCinsCT (p.Ser741Leu) in the PCDH19 gene has not been reported previously as a pathogenic variant nor as a benign variant, to our knowledge. This variant is absent in the gnomAD Exomes. The amino acid Ser at position 741 is changed to a Leu changing protein sequence and it might alter its composition and physico-chemical properties. The amino acid change p.Ser741Leu in PCDH19 is predicted as conserved by GERP++ and PhyloP across 100 vertebrates. For these reasons, this variant has been classified as Uncertain Significance.

NM_001184880.2(PCDH19):c.2221_2222delinsCT (p.Ser741Leu)

Gene: PCDH19 (protocadherin 19; minus strand). Cytogenetic location: Xq22.1.
Variant type: Indel.
Coding change: c.2221_2222delinsCT on transcript NM_001184880.2 (MANE Select); coding-DNA positions 2221 to 2222, TC replaced by CT.
Protein change: p.Ser741Leu; replaces serine 741 with leucine.
Molecular consequence: missense variant. On other transcripts: intron variant (2).
Genome position (GRCh38, 1-based): chrX:100,403,590-100,403,591, GA replaced by AG on the plus strand (TC replaced by CT on the coding strand, the reverse complement: PCDH19 is on the minus strand). VCF-style: chrX-100403590-GA-AG. GRCh37 (hg19) VCF-style: chrX-99658588-GA-AG.
Other names: c.2148-740_2148-739delinsCT (NM_020766.3, NM_001105243.2); c.2221_2222delTCinsCT (NM_001184880.2); short protein forms S741L.
Identifiers: ClinVar variation 3731410 (VCV003731410.1).
Genomic context (GRCh38, chrX:100,403,590, plus strand): 5'-CCCCTTAGGCTCACTTTCTCCTCTGTCTTTTTGTCTTGCTCCTCGCTAATGGGAGAAACC[GA>AG]GATGCAATGCAGACACTTGCTGTTTTGTCCTTTTATAAAACAGCCGAGGAGACAAGTGAT-3'
Protein context (NP_001171809.1, residues 731-751): GQNSKCLHCI[Ser741Leu]VSPISEEQDK